The following is an entry in ClinVar:

ClinVar aggregate classification (germline): Uncertain significance (1 of 4 stars; one submission).

Conditions:
Hereditary cancer-predisposing syndrome. Also called: Neoplastic Syndromes, Hereditary; Tumor predisposition; Hereditary neoplastic syndrome; Hereditary Cancer Syndrome. Identifiers: Orphanet 140162, MedGen C0027672, MeSH D009386, MONDO:0015356.

Allele frequency attached by ClinVar (database versions not stated): TOPMed 0.00001.

Submission:

Ambry Genetics
Classification: Uncertain significance for Hereditary cancer-predisposing syndrome. Last evaluated: 2024-01-17. Review status: criteria provided, single submitter. Criteria: Ambry Variant Classification Scheme 2023. Collection method: clinical testing. Allele origin: germline.
Comment: The p.G2400E variant (also known as c.7199G>A), located in coding exon 15 of the APC gene, results from a G to A substitution at nucleotide position 7199. The glycine at codon 2400 is replaced by glutamic acid, an amino acid with similar properties. This amino acid position is conserved. In addition, in silico predictors for this gene do not accurately predict pathogenicity. Based on the available evidence, the clinical significance of this alteration remains unclear.

NM_000038.6(APC):c.7199G>A (p.Gly2400Glu)

Gene: APC (APC regulator of Wnt signaling pathway; plus strand). Cytogenetic location: 5q22.2.
Variant type: single nucleotide variant.
Coding change: c.7199G>A on transcript NM_000038.6 (MANE Select); coding-DNA position 7199, G replaced by A.
Protein change: p.Gly2400Glu; replaces glycine 2400 with glutamic acid.
Molecular consequence: missense variant. On other transcripts: non-coding transcript variant (2).
Genome position (GRCh38, 1-based): chr5:112,842,793, G>A. VCF-style: chr5-112842793-G-A. GRCh37 (hg19) VCF-style: chr5-112178490-G-A.
Other names: c.7199G>A, p.Gly2400Glu (NM_001127510.3, NM_001354895.2, NM_001407450.1); c.7145G>A, p.Gly2382Glu (NM_001127511.3); c.7253G>A, p.Gly2418Glu (NM_001354896.2, NM_001407447.1, NM_001407448.1 and 1 more transcripts); c.7229G>A, p.Gly2410Glu (NM_001354897.2); c.7124G>A, p.Gly2375Glu (NM_001354898.2); c.7115G>A, p.Gly2372Glu (NM_001354899.2); c.7076G>A, p.Gly2359Glu (NM_001354900.2); c.7022G>A, p.Gly2341Glu (NM_001354901.2, NM_001407453.1); and 11 more; short protein forms G2016E, G2117E, G2240E, G2271E, G2274E, G2299E, G2309E, G2317E.
Identifiers: ClinVar variation 3231184 (VCV003231184.1), dbSNP rs1766407844, ClinGen allele CA16037010.